The following is an entry in ClinVar:

ClinVar aggregate classification (germline): Pathogenic (1 of 4 stars; one submission).

Conditions:
Hereditary cancer-predisposing syndrome. Also called: Tumor predisposition; Hereditary Cancer Syndrome; Hereditary neoplastic syndrome; Neoplastic Syndromes, Hereditary. Identifiers: Orphanet 140162, MedGen C0027672, MeSH D009386, MONDO:0015356.

Submission:

Ambry Genetics
Classification: Pathogenic for Hereditary cancer-predisposing syndrome. Last evaluated: 2024-05-24. Review status: criteria provided, single submitter. Criteria: Ambry Variant Classification Scheme 2023. Collection method: clinical testing. Allele origin: germline.
Comment: The c.1425_1434del10 pathogenic mutation, located in coding exon 11 of the PMS2 gene, results from a deletion of 10 nucleotides at nucleotide positions 1425 to 1434, causing a translational frameshift with a predicted alternate stop codon (p.S476Tfs*116). This variant is considered to be rare based on population cohorts in the Genome Aggregation Database (gnomAD). This alteration is expected to result in loss of function by premature protein truncation or nonsense-mediated mRNA decay. As such, this alteration is interpreted as a disease-causing mutation.

NM_000535.7(PMS2):c.1425_1434del (p.Ser476fs)

Gene: PMS2 (PMS1 homolog 2, mismatch repair system component; minus strand). Cytogenetic location: 7p22.1.
Variant type: Deletion.
Coding change: c.1425_1434del on transcript NM_000535.7 (MANE Select); coding-DNA positions 1425 to 1434, 10 bases deleted (GAGTTCCAGT; older notation c.1425_1434delGAGTTCCAGT).
Protein change: p.Ser476fs; shifts the reading frame from serine 476.
Molecular consequence: frameshift variant. On other transcripts: non-coding transcript variant (1), intron variant (1).
Genome position (GRCh38, 1-based): chr7:5,987,331-5,987,340, ACTGGAACTC deleted on the plus strand (GAGTTCCAGT on the coding strand, the reverse complement: PMS2 is on the minus strand); deleting any 10 consecutive bases within chr7:5,987,331-5,987,344 gives the same sequence; the c. name uses the placement nearest the transcript's 3' end. VCF-style (leftmost placement, unchanged base first): chr7-5987330-GACTGGAACTC-G. GRCh37 (hg19) VCF-style: chr7-6026961-GACTGGAACTC-G.
Other names: c.1020_1029del, p.Ser341fs (NM_001406898.1, NM_001406899.1, NM_001406897.1 and 16 more transcripts); c.951_960del, p.Ser318fs (NM_001406901.1, NM_001406902.1); c.1107_1116del, p.Ser370fs (NM_001406903.1, NM_001406876.1, NM_001406883.1 and 2 more transcripts); c.912_921del, p.Ser305fs (NM_001406904.1, NM_001406905.1); c.960_969del, p.Ser321fs (NM_001406900.1); c.1425_1434del10 (NM_000535.5); c.492_501del, p.Ser165fs (NM_001322012.2, NM_001322011.2); c.852_861del, p.Ser285fs (NM_001322013.2, NM_001406909.1); and 14 more; short protein forms S354fs, S368fs, S424fs, S440fs, S476fs, S321fs, S341fs, S364fs.
Identifiers: ClinVar variation 3308101 (VCV003308101.1).